The following is an entry in ClinVar:

ClinVar aggregate classification (germline): Uncertain significance (0 of 4 stars; one submission).

Conditions:
BBS4-related disorder. Also called: BBS4-related condition.

gnomAD v4.1: 2 of 1,614,146 alleles (0.00012%); highest among the groups gnomAD compares: Non-Finnish European, 0.00017%; no homozygotes.

Submission:

PreventionGenetics, part of Exact Sciences
Classification: Uncertain significance for BBS4-related condition. Last evaluated: 2024-05-30. Review status: no assertion criteria provided. Collection method: clinical testing. Allele origin: germline.
Comment: The BBS4 c.784G>A variant is predicted to result in the amino acid substitution p.Val262Met. To our knowledge, this variant has not been reported in the literature. This variant is reported in 0.00088% of alleles in individuals of European (Non-Finnish) descent in gnomAD. At this time, the clinical significance of this variant is uncertain due to the absence of conclusive functional and genetic evidence.

NM_033028.5(BBS4):c.784G>A (p.Val262Met)

Gene: BBS4 (Bardet-Biedl syndrome 4; plus strand). Cytogenetic location: 15q24.1.
Variant type: single nucleotide variant.
Coding change: c.784G>A on transcript NM_033028.5 (MANE Select); coding-DNA position 784, G replaced by A.
Protein change: p.Val262Met; replaces valine 262 with methionine.
Molecular consequence: missense variant. On other transcripts: non-coding transcript variant (2).
Genome position (GRCh38, 1-based): chr15:72,731,377, G>A. VCF-style: chr15-72731377-G-A. GRCh37 (hg19) VCF-style: chr15-73023718-G-A.
Other names: c.268G>A, p.Val90Met (NM_001252678.2); c.715G>A, p.Val239Met (NM_001320665.2); short protein forms V239M, V262M, V90M.
Identifiers: ClinVar variation 3350661 (VCV003350661.1).